The following is an entry in ClinVar:

NM_177438.3(DICER1):c.2116+5dup

Gene: DICER1 (dicer 1, ribonuclease III; minus strand). Cytogenetic location: 14q32.13.
Variant type: Duplication.
Coding change: c.2116+5dup on transcript NM_177438.3 (MANE Select); 5 bases into the intron after coding-DNA position 2116, one base duplicated (G; older notation c.2116+5dupG).
Molecular consequence: intron variant.
Genome position (GRCh38, 1-based): chr14:95,112,166, C duplicated on the plus strand (G on the coding strand, the reverse complement: DICER1 is on the minus strand); the first of 2 consecutive C bases (chr14:95,112,166-95,112,167); duplicating either gives the same sequence. VCF-style (leftmost placement, unchanged base first): chr14-95112165-T-TC. GRCh37 (hg19) VCF-style: chr14-95578502-T-TC.
Other names: c.2116+5dup (NM_001291628.2, NM_030621.4, NM_001271282.3 and 1 more transcripts).
Identifiers: ClinVar variation 1014825 (VCV001014825.9), dbSNP rs761514962, ClinGen allele CA7331315.

ClinVar aggregate classification (germline): Conflicting classifications of pathogenicity. Review status: criteria provided, conflicting classifications (1 of 4 stars). 2 submissions from 2 submitters: Uncertain significance (1); Likely benign (1). Last evaluated 2026-08-17.

Conditions:
DICER1-related tumor predisposition. Also called: DICER1 syndrome; DICER1-related pleuropulmonary blastoma cancer predisposition syndrome. Identifiers: Orphanet 284343, MedGen C3839822, MONDO:0100216.

Submissions (2):

Myriad Genetics, Inc.
Classification: Likely benign for DICER1-related tumor predisposition. Last evaluated: 2026-08-17. Review status: criteria provided, single submitter. Criteria: Myriad Autosomal Dominant, Autosomal Recessive and X-Linked Classification Criteria (2023). Collection method: clinical testing. Allele origin: unknown.
Comment: This variant is considered likely benign. This variant is intronic and is not expected to impact mRNA splicing.

Labcorp Genetics (formerly Invitae), Labcorp
Classification: Uncertain significance for DICER1-related tumor predisposition. Last evaluated: 2025-12-10. Review status: criteria provided, single submitter. Criteria: Invitae Variant Classification Sherloc (09022015). Collection method: clinical testing. Allele origin: germline.
Comment: This sequence change falls in intron 13 of the DICER1 gene. It does not directly change the encoded amino acid sequence of the DICER1 protein. It affects a nucleotide within the consensus splice site. This variant is present in population databases (rs761514962, gnomAD 0.003%). This variant has not been reported in the literature in individuals affected with DICER1-related conditions. ClinVar contains an entry for this variant (Variation ID: 1014825). Variants that disrupt the consensus splice site are a relatively common cause of aberrant splicing (PMID: 17576681, 9536098). Algorithms developed to predict the effect of sequence changes on RNA splicing suggest that this variant is not likely to affect RNA splicing. In summary, the available evidence is currently insufficient to determine the role of this variant in disease. Therefore, it has been classified as a Variant of Uncertain Significance.

Literature cited by the submitters: PubMed 17576681 (cited by Labcorp Genetics (formerly Invitae), Labcorp); PubMed 9536098 (cited by Labcorp Genetics (formerly Invitae), Labcorp).